The following is an entry in ClinVar:

ClinVar aggregate classification (germline): Uncertain significance (1 of 4 stars; one submission).

gnomAD v4.1: 2 of 1,240,912 alleles (0.00016%); highest among the groups gnomAD compares: African/African-American, 0.0016%; no homozygotes.

Submission:

Labcorp Genetics (formerly Invitae), Labcorp
Classification: Uncertain significance. Last evaluated: 2024-04-29. Review status: criteria provided, single submitter. Criteria: Invitae Variant Classification Sherloc (09022015). Collection method: clinical testing. Allele origin: germline.
Comment: This sequence change replaces valine, which is neutral and non-polar, with methionine, which is neutral and non-polar, at codon 367 of the ARID1B protein (p.Val367Met). The frequency data for this variant in the population databases is considered unreliable, as metrics indicate insufficient coverage at this position in the gnomAD database. This variant has not been reported in the literature in individuals affected with ARID1B-related conditions. Experimental studies and prediction algorithms are not available or were not evaluated, and the functional significance of this variant is currently unknown. In summary, the available evidence is currently insufficient to determine the role of this variant in disease. Therefore, it has been classified as a Variant of Uncertain Significance.

NM_001374828.1(ARID1B):c.1348G>A (p.Val450Met)

Gene: ARID1B (AT-rich interaction domain 1B; plus strand). Cytogenetic location: 6q25.3.
Variant type: single nucleotide variant.
Coding change: c.1348G>A on transcript NM_001374828.1 (MANE Select); coding-DNA position 1348, G replaced by A.
Protein change: p.Val450Met; replaces valine 450 with methionine.
Molecular consequence: missense variant.
Genome position (GRCh38, 1-based): chr6:156,779,028, G>A. VCF-style: chr6-156779028-G-A. GRCh37 (hg19) VCF-style: chr6-157100162-G-A.
Other names: c.1348G>A, p.Val450Met (NM_001371656.1, NM_001374820.1, NM_017519.3); short protein forms V450M.
Identifiers: ClinVar variation 3651434 (VCV003651434.2).